The following is an entry in ClinVar:

ClinVar aggregate classification (germline): Uncertain significance (1 of 4 stars; one submission).

Submission:

GeneDx
Classification: Uncertain significance. Last evaluated: 2022-04-29. Review status: criteria provided, single submitter. Criteria: GeneDx Variant Classification Process June 2021. Collection method: clinical testing. Allele origin: germline. Affected: yes.
Comment: Not observed at significant frequency in large population cohorts (gnomAD); In silico analysis supports that this missense variant has a deleterious effect on protein structure/function; Has not been previously published as pathogenic or benign to our knowledge; This variant is associated with the following publications: (PMID: 12668474)

NM_000540.3(RYR1):c.9325A>G (p.Asn3109Asp)

Gene: RYR1 (ryanodine receptor 1; plus strand). Cytogenetic location: 19q13.2.
Variant type: single nucleotide variant.
Coding change: c.9325A>G on transcript NM_000540.3 (MANE Select); coding-DNA position 9325, A replaced by G.
Protein change: p.Asn3109Asp; replaces asparagine 3109 with aspartic acid.
Molecular consequence: missense variant.
Genome position (GRCh38, 1-based): chr19:38,512,336, A>G. VCF-style: chr19-38512336-A-G. GRCh37 (hg19) VCF-style: chr19-39002976-A-G.
Other names: c.9325A>G, p.Asn3109Asp (NM_001042723.2); short protein forms N3109D.
Identifiers: ClinVar variation 1712769 (VCV001712769.2), dbSNP rs2514406114, ClinGen allele CA405686894.
Genomic context (GRCh38, chr19:38,512,336, plus strand): 5'-AAGGCTGGCCTCCGCTCCTTCTTCGAGAGTGCCTCGGAGGACATCGAGAAGATGGTGGAG[A>G]ACCTGCGGCTGGGCAAGGTGTCGCAGGCGCGCACCCAGGTGAAAGGCGTGGGCCAGAACC-3'
Protein context (NP_000531.2, residues 3099-3119): ASEDIEKMVE[Asn3109Asp]LRLGKVSQAR